The following is an entry in ClinVar:

ClinVar aggregate classification (germline): Uncertain significance (1 of 4 stars; one submission).

Conditions:
Inborn genetic diseases. Identifiers: MedGen C0950123, MeSH D030342.

gnomAD v4.1: 1 of 1,614,110 alleles (0.000062%); highest among the groups gnomAD compares: African/African-American, 0.0013%; no homozygotes.

Submission:

Ambry Genetics
Classification: Uncertain significance for Inborn genetic diseases. Last evaluated: 2024-12-09. Review status: criteria provided, single submitter. Criteria: Ambry Variant Classification Scheme 2023. Collection method: clinical testing. Allele origin: germline.
Comment: The p.N691D variant (also known as c.2071A>G), located in coding exon 23 of the FANCA gene, results from an A to G substitution at nucleotide position 2071. The asparagine at codon 691 is replaced by aspartic acid, an amino acid with highly similar properties. This amino acid position is conserved. In addition, this alteration is predicted to be tolerated by in silico analysis. Based on the available evidence, the clinical significance of this variant remains unclear.

NM_000135.4(FANCA):c.2071A>G (p.Asn691Asp)

Gene: FANCA (FA complementation group A; minus strand). Cytogenetic location: 16q24.3.
Variant type: single nucleotide variant.
Coding change: c.2071A>G on transcript NM_000135.4 (MANE Select); coding-DNA position 2071, A replaced by G.
Protein change: p.Asn691Asp; replaces asparagine 691 with aspartic acid.
Molecular consequence: missense variant.
Genome position (GRCh38, 1-based): chr16:89,771,758, T>C on the plus strand (A>G on the coding strand, the complement: FANCA is on the minus strand). VCF-style: chr16-89771758-T-C. GRCh37 (hg19) VCF-style: chr16-89838166-T-C.
Other names: c.2071A>G, p.Asn691Asp (NM_001286167.3); short protein forms N691D.
Identifiers: ClinVar variation 3512731 (VCV003512731.1).